The following is an entry in ClinVar:

ClinVar aggregate classification (germline): Likely benign. Review status: criteria provided, multiple submitters, no conflicts (2 of 4 stars). 3 submissions from 3 submitters: Likely benign (3). Last evaluated 2025-11-05.

Conditions:
Familial cancer of breast. Also called: BREAST CANCER, FAMILIAL; Hereditary breast cancer; hereditary breast carcinoma. Identifiers: Orphanet 227535, MedGen C0346153, MONDO:0016419, OMIM 114480. Disease mechanism: loss of function.
Fanconi anemia complementation group J. Also called: BRIP1-Related Fanconi Anemia. Identifiers: Orphanet 84, MedGen C1836860, MONDO:0012187, OMIM 609054.
Hereditary cancer-predisposing syndrome. Also called: Tumor predisposition; Neoplastic Syndromes, Hereditary; Hereditary Cancer Syndrome; Hereditary neoplastic syndrome. Identifiers: Orphanet 140162, MedGen C0027672, MeSH D009386, MONDO:0015356.

Allele frequency attached by ClinVar (database versions not stated): gnomAD exomes below 0.00001; gnomAD 0.00001; TOPMed 0.00001.
gnomAD v4.1: 4 of 1,604,334 alleles (0.00025%); highest among the groups gnomAD compares: Admixed American, 0.0017%; no homozygotes.

Submissions (3):

Labcorp Genetics (formerly Invitae), Labcorp
Classification: Likely benign for Familial cancer of breast; Fanconi anemia complementation group J. Last evaluated: 2025-11-05. Review status: criteria provided, single submitter. Criteria: Invitae Variant Classification Sherloc (09022015). Collection method: clinical testing. Allele origin: germline.

Myriad Genetics, Inc.
Classification: Likely benign for Familial cancer of breast. Last evaluated: 2024-08-21. Review status: criteria provided, single submitter. Criteria: Myriad Autosomal Dominant, Autosomal Recessive and X-Linked Classification Criteria (2023). Collection method: clinical testing. Allele origin: unknown.
Comment: This variant is considered likely benign. This variant is intronic and is not expected to impact mRNA splicing.

Color Diagnostics, LLC DBA Color Health
Classification: Likely benign for Hereditary cancer-predisposing syndrome. Last evaluated: 2020-05-11. Review status: criteria provided, single submitter. Criteria: ACMG Guidelines, 2015. Collection method: clinical testing. Allele origin: germline.

NM_032043.3(BRIP1):c.380-10C>T

Gene: BRIP1 (BRCA1 interacting DNA helicase 1; minus strand). Cytogenetic location: 17q23.2.
Variant type: single nucleotide variant.
Coding change: c.380-10C>T on transcript NM_032043.3 (MANE Select); 10 bases into the intron before coding-DNA position 380, C replaced by T.
Molecular consequence: intron variant.
Genome position (GRCh38, 1-based): chr17:61,849,266, G>A on the plus strand (C>T on the coding strand, the complement: BRIP1 is on the minus strand). VCF-style: chr17-61849266-G-A. GRCh37 (hg19) VCF-style: chr17-59926627-G-A.
Identifiers: ClinVar variation 628835 (VCV000628835.14), dbSNP rs1187614578, ClinGen allele CA773825974.
Genomic context (GRCh38, chr17:61,849,266, plus strand): 5'-CCTGTTTCTTAGCAGATAACTTTGCAGCCAGAGTGGTTTTTTCAGGGGAGTCTTATATAA[G>A]TAATTTAAAAAAAACAGCATAAATAACTTACAGGTAGGCAATTTTTCTAGAAGAAAACTG-3'